The following is an entry in ClinVar:

NM_139321.3(ATRN):c.4129C>G (p.Arg1377Gly)

Gene: ATRN (attractin; plus strand). Cytogenetic location: 20p13.
Variant type: single nucleotide variant.
Coding change: c.4129C>G on transcript NM_139321.3 (MANE Select); coding-DNA position 4129, C replaced by G.
Protein change: p.Arg1377Gly; replaces arginine 1377 with glycine.
Molecular consequence: missense variant.
Genome position (GRCh38, 1-based): chr20:3,644,232, C>G. VCF-style: chr20-3644232-C-G. GRCh37 (hg19) VCF-style: chr20-3624879-C-G.
Other names: short protein forms R1377G.
Identifiers: ClinVar variation 2984432 (VCV002984432.3), dbSNP rs1302712129, ClinGen allele CA408097760.

ClinVar aggregate classification (germline): Uncertain significance (1 of 4 stars; one submission).

Allele frequency attached by ClinVar (database versions not stated): TOPMed below 0.00001.
gnomAD v4.1: 1 of 1,614,038 alleles (0.000062%); highest among the groups gnomAD compares: Non-Finnish European, 0.000085%; no homozygotes.

Submission:

Labcorp Genetics (formerly Invitae), Labcorp
Classification: Uncertain significance. Last evaluated: 2024-09-05. Review status: criteria provided, single submitter. Criteria: Invitae Variant Classification Sherloc (09022015). Collection method: clinical testing. Allele origin: germline.
Comment: This sequence change replaces arginine, which is basic and polar, with glycine, which is neutral and non-polar, at codon 1377 of the ATRN protein (p.Arg1377Gly). This variant is not present in population databases (gnomAD no frequency). This variant has not been reported in the literature in individuals affected with ATRN-related conditions. An algorithm developed to predict the effect of missense changes on protein structure and function (PolyPhen-2) suggests that this variant is likely to be disruptive. In summary, the available evidence is currently insufficient to determine the role of this variant in disease. Therefore, it has been classified as a Variant of Uncertain Significance.